The following is an entry in ClinVar:

NM_000492.4(CFTR):c.2733T>G (p.Ser911Arg)

Gene: CFTR (CF transmembrane conductance regulator; plus strand). Cytogenetic location: 7q31.2.
Variant type: single nucleotide variant.
Coding change: c.2733T>G on transcript NM_000492.4 (MANE Select); coding-DNA position 2733, T replaced by G.
Protein change: p.Ser911Arg; replaces serine 911 with arginine.
Molecular consequence: missense variant.
Genome position (GRCh38, 1-based): chr7:117,603,607, T>G. VCF-style: chr7-117603607-T-G. GRCh37 (hg19) VCF-style: chr7-117243661-T-G.
Other names: short protein forms S911R.
Identifiers: ClinVar variation 633161 (VCV000633161.1), dbSNP rs1562911534, ClinGen allele CA368986530.
Genomic context (GRCh38, chr7:117,603,607, plus strand): 5'-CAAAGGGAATAGTACTCATAGTAGAAATAACAGCTATGCAGTGATTATCACCAGCACCAG[T>G]TCGTATTATGTGTTTTACATTTACGTGGGAGTAGCCGACACTTTGCTTGCTATGGGATTC-3'
Protein context (NP_000483.3, residues 901-921): NSYAVIITST[Ser911Arg]SYYVFYIYVG

ClinVar aggregate classification (germline): Uncertain significance (1 of 4 stars; one submission).

Submission:

Women's Health and Genetics/Laboratory Corporation of America, LabCorp
Classification: Uncertain significance. Last evaluated: 2018-11-01. Review status: criteria provided, single submitter. Criteria: LabCorp Variant Classification Summary - May 2015. Collection method: clinical testing. Allele origin: germline.
Comment: Variant summary: CFTR c.2733T>G (p.Ser911Arg) results in a non-conservative amino acid change located in the ABC transporter type 1, transmembrane domain of the encoded protein sequence. Four of four in-silico tools predict a damaging effect of the variant on protein function. The variant was absent in 246142 control chromosomes (gnomAD). The available data on variant occurrences in the general population are insufficient to allow any conclusion about variant significance. The variant, c.2733T>G, has been reported together with a truncating variant in a newborn who failed newborn screening with borderline sweat chloride levels and elevated IRT levels, however the report does not specify if large del/dup analysis was performed in this individual (Castellani_2016). This report does not provide unequivocal conclusions about association of the variant with Cystic Fibrosis. To our knowledge, no experimental evidence demonstrating an impact on protein function has been reported. No clinical diagnostic laboratories have submitted clinical-significance assessments for this variant to ClinVar after 2014. Based on the evidence outlined above, the variant was classified as uncertain significance.

Literature cited by the submitters: PubMed 26755536; PubMed 16126774; PubMed 19897426.